The following is an entry in ClinVar:

NM_024675.4(PALB2):c.963A>T (p.Leu321Phe)

Gene: PALB2 (partner and localizer of BRCA2; minus strand). Cytogenetic location: 16p12.2.
Variant type: single nucleotide variant.
Coding change: c.963A>T on transcript NM_024675.4 (MANE Select); coding-DNA position 963, A replaced by T.
Protein change: p.Leu321Phe; replaces leucine 321 with phenylalanine.
Molecular consequence: missense variant.
Genome position (GRCh38, 1-based): chr16:23,635,583, T>A on the plus strand (A>T on the coding strand, the complement: PALB2 is on the minus strand). VCF-style: chr16-23635583-T-A. GRCh37 (hg19) VCF-style: chr16-23646904-T-A.
Other names: short protein forms L321F.
Identifiers: ClinVar variation 830126 (VCV000830126.1), dbSNP rs1967005829, ClinGen allele CA395134953.

ClinVar aggregate classification (germline): Uncertain significance (0 of 4 stars; one submission).

Submission:

Leiden Open Variation Database
Classification: Uncertain significance. Last evaluated: 2018-08-25. Review status: no assertion criteria provided. Collection method: curation. Allele origin: germline. Affected: yes.
Comment: Curators: Marc Tischkowitz, Arleen D. Auerbach. Submitter to LOVD: Yukihide Momozawa.

Literature cited by the submitters: PubMed 30287823.